The following is an entry in ClinVar:

NM_006565.4(CTCF):c.782-1G>C

Gene: CTCF (CCCTC-binding factor; plus strand). Cytogenetic location: 16q22.1.
Variant type: single nucleotide variant.
Coding change: c.782-1G>C on transcript NM_006565.4 (MANE Select); the canonical splice acceptor site of the intron before coding-DNA position 782, G replaced by C.
Molecular consequence: splice acceptor variant. On other transcripts: intron variant (1).
Genome position (GRCh38, 1-based): chr16:67,611,950, G>C. VCF-style: chr16-67611950-G-C. GRCh37 (hg19) VCF-style: chr16-67645853-G-C.
Other names: NC_000016.9:g.67645853G>C; c.782-1G>C (NM_001438969.1, NM_001438968.1, NM_001363916.2); c.-32-4795G>C (NM_001191022.2).
Identifiers: ClinVar variation 1065488 (VCV001065488.5), dbSNP rs2142827936, ClinGen allele CA396308677.

ClinVar aggregate classification (germline): Pathogenic/Likely pathogenic. Review status: criteria provided, multiple submitters, no conflicts (2 of 4 stars). 3 submissions from 3 submitters: Pathogenic (1); Likely pathogenic (2). Last evaluated 2026-03-26.

Conditions:
Inborn genetic diseases. Identifiers: MedGen C0950123, MeSH D030342.
CTCF-related neurodevelopmental disorder. Also called: Intellectual disability-feeding difficulties-developmental delay-microcephaly syndrome; INTELLECTUAL DEVELOPMENTAL DISORDER, AUTOSOMAL DOMINANT 21. Identifiers: Orphanet 363611, MedGen C3809686, MONDO:0014213, OMIM 615502.

Submissions (4):

Ambry Genetics
Classification: Likely pathogenic for Inborn genetic diseases. Last evaluated: 2026-03-26. Review status: criteria provided, single submitter. Criteria: Ambry Variant Classification Scheme 2023. Collection method: clinical testing. Allele origin: germline.
Comment: The c.782-1G>C intronic variant consists of a G to C substitution one nucleotide before exon 4 (coding exon 2) of the CTCF gene. Variants that disrupt the canonical splice site are expected to result in aberrant splicing. A resulting transcript is predicted to be in-frame and is not expected to trigger nonsense-mediated mRNAdecay, although direct evidence is unavailable. However, the region predicted to be impacted is critical for protein function and a significant portion of the protein is affected (Ambry internal data). This variant was not reported in population-based cohorts in the Genome Aggregation Database (gnomAD). Other variant(s) impacting the same acceptor site (c.782-2A>G) have been identified in individual(s) with features consistent with CTCF-related neurodevelopmental disorder (Ambry internal data). This nucleotide position is highly conserved in available vertebrate species. In silico splice site analysis predicts that this alteration will weaken the native splice acceptor site. Based on the available evidence, this alteration is classified as likely pathogenic.

GeneDx
Classification: Pathogenic. Last evaluated: 2025-01-10. Review status: criteria provided, single submitter. Criteria: GeneDx Variant Classification Process June 2021. Collection method: clinical testing. Allele origin: germline. Affected: yes.
Comment: Identified in a cohort of pediatric and prenatal patients undergoing whole exome sequencing, but clinical information was not included (PMID: 37236975); Canonical splice site variant predicted to result in an in-frame loss of the adjacent exon in a gene for which loss of function is a known mechanism of disease; Not observed at significant frequency in large population cohorts (gnomAD); This variant is associated with the following publications: (PMID: 37236975)

Genomic Medicine Lab, University of California San Francisco
Classification: Likely pathogenic for CTCF-related neurodevelopmental disorder. Last evaluated: 2020-07-23. Review status: criteria provided, single submitter. Criteria: ACMG Guidelines, 2015. Collection method: clinical testing. Allele origin: unknown. Inheritance: Autosomal dominant inheritance. Affected: yes. Study: CSER-P3EGS.

Dr. Peter K. Rogan Lab, Western University
No classification provided (evidence only). Condition: Melanoma. Review status: no classification provided. Collection method: in vitro. Allele origin: not applicable. Functional consequence: skipped exon. Not counted in ClinVar's aggregate classification.